The following is an entry in ClinVar:

ClinVar aggregate classification (germline): Likely benign. Review status: criteria provided, multiple submitters, no conflicts (2 of 4 stars). 2 submissions from 2 submitters: Likely benign (2). Last evaluated 2026-06-01.

Conditions:
SCAPER-related disorder. Also called: SCAPER-related condition.

gnomAD v4.1: 21 of 1,611,672 alleles (0.0013%); highest among the groups gnomAD compares: Non-Finnish European, 0.0018%; no homozygotes.

Submissions (2):

CeGaT Center for Human Genetics Tuebingen
Classification: Likely benign. Last evaluated: 2026-06-01. Review status: criteria provided, single submitter. Criteria: CeGaT Center For Human Genetics Tuebingen Variant Classification Criteria Version 2. Collection method: clinical testing. Allele origin: germline. Affected: yes. Observed: 1 variant allele.
Comment: SCAPER: BP4, BP7

PreventionGenetics, part of Exact Sciences
Classification: Likely benign for SCAPER-related condition. Last evaluated: 2025-04-22. Review status: criteria provided, single submitter. Criteria: ACMG Guidelines, 2015. Collection method: clinical testing. Allele origin: germline.
Comment: This variant is classified as likely benign based on ACMG/AMP sequence variant interpretation guidelines (Richards et al. 2015 PMID: 25741868, with internal and published modifications).

NM_020843.4(SCAPER):c.516A>G (p.Glu172=)

Gene: SCAPER (S-phase cyclin A associated protein in the ER; minus strand). Cytogenetic location: 15q24.3.
Variant type: single nucleotide variant.
Coding change: c.516A>G on transcript NM_020843.4 (MANE Select); coding-DNA position 516, A replaced by G.
Protein change: p.Glu172=; no amino-acid change (glutamic acid 172 retained).
Molecular consequence: synonymous variant. On other transcripts: 5 prime UTR variant (1), non-coding transcript variant (1).
Genome position (GRCh38, 1-based): chr15:76,800,343, T>C on the plus strand (A>G on the coding strand, the complement: SCAPER is on the minus strand). VCF-style: chr15-76800343-T-C. GRCh37 (hg19) VCF-style: chr15-77092684-T-C.
Other names: c.-382A>G (NM_001145923.2); c.516A>G, p.Glu172= (NM_001353009.2); c.114A>G, p.Glu38= (NM_001353010.2, NM_001353011.2, NM_001353012.2); c.516A>G (NM_001353009.1).
Identifiers: ClinVar variation 4875221 (VCV004875221.3).
Genomic context (GRCh38, chr15:76,800,343, plus strand): 5'-ATTTATTCTATCTGTTGATGGACTTGGAATCACATGGCGTCCCGGAGACATCTTCTTTAC[T>C]TCCCATGCCAATGATGTTGGTCTGCGAATTCAATATATAAACCAGATTAAATTAACAGAG-3'
Protein context (NP_065894.2, residues 162-182): AQSRPTSLAW[Glu172=]VKKMSPGRHV